The following is an entry in ClinVar:

ClinVar aggregate classification (germline): Likely benign (1 of 4 stars; one submission).

gnomAD v4.1: 2 of 1,537,514 alleles (0.00013%); highest among the groups gnomAD compares: Non-Finnish European, 0.00017%; no homozygotes.

Submission:

CeGaT Center for Human Genetics Tuebingen
Classification: Likely benign. Last evaluated: 2026-04-01. Review status: criteria provided, single submitter. Criteria: CeGaT Center For Human Genetics Tuebingen Variant Classification Criteria Version 2. Collection method: clinical testing. Allele origin: germline. Affected: yes. Observed: 1 variant allele.
Comment: MAFF: BP4, BP7

NM_012323.4(MAFF):c.324C>T (p.Arg108=)

Genes: MAFF (MAF bZIP transcription factor F; plus strand), LOC130067408 (ATAC-STARR-seq lymphoblastoid silent region 13712; plus strand). Cytogenetic location: 22q13.1.
Variant type: single nucleotide variant.
Coding change: c.324C>T on transcript NM_012323.4 (MANE Select); coding-DNA position 324, C replaced by T.
Protein change: p.Arg108=; no amino-acid change (arginine 108 retained).
Molecular consequence: synonymous variant.
Genome position (GRCh38, 1-based): chr22:38,214,707, C>T. VCF-style: chr22-38214707-C-T. GRCh37 (hg19) VCF-style: chr22-38610714-C-T.
Other names: c.324C>T, p.Arg108= (NM_001161572.2, NM_001161573.1); c.237C>T, p.Arg79= (NM_001161574.2).
Identifiers: ClinVar variation 4874502 (VCV004874502.2).